The following is an entry in ClinVar:

NM_001291867.2(NHS):c.3374C>T (p.Ser1125Leu)

Gene: NHS (NHS actin remodeling regulator; plus strand). Cytogenetic location: Xp22.13.
Variant type: single nucleotide variant.
Coding change: c.3374C>T on transcript NM_001291867.2 (MANE Select); coding-DNA position 3374, C replaced by T.
Protein change: p.Ser1125Leu; replaces serine 1125 with leucine.
Molecular consequence: missense variant.
Genome position (GRCh38, 1-based): chrX:17,727,480, C>T. VCF-style: chrX-17727480-C-T. GRCh37 (hg19) VCF-style: chrX-17745600-C-T.
Other names: c.2843C>T, p.Ser948Leu (NM_001136024.4); c.2780C>T, p.Ser927Leu (NM_001291868.2); c.3311C>T, p.Ser1104Leu (NM_198270.4); short protein forms S1104L, S927L, S1125L, S948L.
Identifiers: ClinVar variation 198289 (VCV000198289.25), dbSNP rs145005596, ClinGen allele CA203353.

ClinVar aggregate classification (germline): Conflicting classifications of pathogenicity. Review status: criteria provided, conflicting classifications (1 of 4 stars). 6 submissions from 6 submitters: Uncertain significance (1); Benign (4); Likely benign (1). Last evaluated 2026-01-04.

Conditions:
NHS-related disorder. Also called: NHS-related condition.
Inborn genetic diseases. Identifiers: MedGen C0950123, MeSH D030342.
Nance-Horan syndrome (NHS). Identifiers: Orphanet 627, MedGen C0796085, MONDO:0010545, OMIM 302350.
Intellectual disability. Also called: Intellectual functioning disability; intellectual disabilities; Intellectual developmental disorder. Identifiers: MedGen C3714756, MeSH D008607, MONDO:0001071, HP:0001249.

Allele frequency attached by ClinVar (database versions not stated): ExAC 0.00026; ESP Exome Variant Server 0.00028; gnomAD exomes 0.00032 and 0.00053; gnomAD 0.00051 and 0.00053; 1000 Genomes Project 0.00053; 1000 Genomes Project 30x 0.00062; TOPMed 0.00070.
gnomAD v4.1: 623 of 1,209,121 alleles (0.052%); highest among the groups gnomAD compares: African/African-American, 0.13%; no homozygotes.

Submissions (6):

Labcorp Genetics (formerly Invitae), Labcorp
Classification: Benign for Nance-Horan syndrome. Last evaluated: 2026-01-04. Review status: criteria provided, single submitter. Criteria: Invitae Variant Classification Sherloc (09022015). Collection method: clinical testing. Allele origin: germline.

PreventionGenetics, part of Exact Sciences
Classification: Likely benign for NHS-related condition. Last evaluated: 2025-10-05. Review status: criteria provided, single submitter. Criteria: ACMG Guidelines, 2015. Collection method: clinical testing. Allele origin: germline.
Comment: This variant is classified as likely benign based on ACMG/AMP sequence variant interpretation guidelines (Richards et al. 2015 PMID: 25741868, with internal and published modifications).

Cambridge Genomics Laboratory, East Genomic Laboratory Hub, NHS Genomic Medicine Service
Classification: Benign for Intellectual disability. Last evaluated: 2019-08-08. Review status: criteria provided, single submitter. Criteria: ACGS Best Practice Guidelines for Variant Classification in Rare Disease 2020. Collection method: clinical testing. Allele origin: germline. Affected: yes. Observed: 1 variant allele.

Ambry Genetics
Classification: Benign for Inborn genetic diseases. Last evaluated: 2017-06-28. Review status: criteria provided, single submitter. Criteria: Ambry Variant Classification Scheme 2023. Collection method: clinical testing. Allele origin: germline.

Genetic Services Laboratory, University of Chicago
Classification: Uncertain significance. Last evaluated: 2015-05-28. Review status: criteria provided, single submitter. Criteria: ACMG Guidelines, 2015. Collection method: clinical testing. Allele origin: germline.

Eurofins Ntd Llc (ga)
Classification: Benign. Last evaluated: 2015-02-13. Review status: criteria provided, single submitter. Criteria: EGL Classification Definitions 2015. Collection method: clinical testing. Allele origin: germline. Observed: 2 variant alleles, 2 heterozygotes.